The following is an entry in ClinVar:

NM_023036.6(DNAI2):c.225C>G (p.Asn75Lys)

Gene: DNAI2 (dynein axonemal intermediate chain 2; plus strand). Cytogenetic location: 17q25.1.
Variant type: single nucleotide variant.
Coding change: c.225C>G on transcript NM_023036.6 (MANE Select); coding-DNA position 225, C replaced by G.
Protein change: p.Asn75Lys; replaces asparagine 75 with lysine.
Molecular consequence: missense variant. On other transcripts: non-coding transcript variant (1).
Genome position (GRCh38, 1-based): chr17:74,285,081, C>G. VCF-style: chr17-74285081-C-G. GRCh37 (hg19) VCF-style: chr17-72281220-C-G.
Other names: c.225C>G, p.Asn75Lys (NM_001172810.3, NM_001353167.2); short protein forms N75K.
Identifiers: ClinVar variation 1383930 (VCV001383930.6), dbSNP rs2143902905, ClinGen allele CA400903666.

ClinVar aggregate classification (germline): Uncertain significance (1 of 4 stars; one submission).

Conditions:
Primary ciliary dyskinesia. Also called: Ciliary dyskinesia. Identifiers: Orphanet 244, MedGen C0008780, MONDO:0016575, HP:0012265.

Submission:

Labcorp Genetics (formerly Invitae), Labcorp
Classification: Uncertain significance for Primary ciliary dyskinesia. Last evaluated: 2023-07-10. Review status: criteria provided, single submitter. Criteria: Invitae Variant Classification Sherloc (09022015). Collection method: clinical testing. Allele origin: germline.
Comment: This variant has not been reported in the literature in individuals affected with DNAI2-related conditions. This variant is not present in population databases (gnomAD no frequency). This sequence change replaces asparagine, which is neutral and polar, with lysine, which is basic and polar, at codon 75 of the DNAI2 protein (p.Asn75Lys). ClinVar contains an entry for this variant (Variation ID: 1383930). In summary, the available evidence is currently insufficient to determine the role of this variant in disease. Therefore, it has been classified as a Variant of Uncertain Significance. Advanced modeling of protein sequence and biophysical properties (such as structural, functional, and spatial information, amino acid conservation, physicochemical variation, residue mobility, and thermodynamic stability) has been performed at Invitae for this missense variant, however the output from this modeling did not meet the statistical confidence thresholds required to predict the impact of this variant on DNAI2 protein function.